The following is an entry in ClinVar:

ClinVar aggregate classification (germline): Likely pathogenic. Review status: criteria provided, multiple submitters, no conflicts (2 of 4 stars). 2 submissions from 2 submitters: Likely pathogenic (2). Last evaluated 2025-04-17.

Conditions:
Saldino-Mainzer syndrome (SRTD9). Also called: CONORENAL SYNDROME; Renal dysplasia, retinal pigmentary dystrophy, cerebellar ataxia and skeletal dysplasia; SHORT-RIB THORACIC DYSPLASIA 9 WITHOUT POLYDACTYLY; short-rib thoracic dysplasia 9 with or without polydactyly. Identifiers: Orphanet 140969, MedGen C1849437, MONDO:0009964, OMIM 266920.
Retinitis pigmentosa 80 (RP80). Identifiers: MedGen C4540439, MONDO:0054708, OMIM 617781.

Submissions (2):

Labcorp Genetics (formerly Invitae), Labcorp
Classification: Likely pathogenic for Saldino-Mainzer syndrome. Last evaluated: 2025-04-17. Review status: criteria provided, single submitter. Criteria: Invitae Variant Classification Sherloc (09022015). Collection method: clinical testing. Allele origin: germline.
Comment: This sequence change affects an acceptor splice site in intron 7 of the IFT140 gene. It is expected to disrupt RNA splicing. Variants that disrupt the donor or acceptor splice site typically lead to a loss of protein function (PMID: 16199547), and loss-of-function variants in IFT140 are known to be pathogenic (PMID: 22503633, 23418020, 24009529, 26216056). This variant is not present in population databases (gnomAD no frequency). This variant has not been reported in the literature in individuals affected with IFT140-related conditions. ClinVar contains an entry for this variant (Variation ID: 2740688). Algorithms developed to predict the effect of sequence changes on RNA splicing suggest that this variant may disrupt the consensus splice site. In summary, the currently available evidence indicates that the variant is pathogenic, but additional data are needed to prove that conclusively. Therefore, this variant has been classified as Likely Pathogenic.

Fulgent Genetics
Classification: Likely pathogenic for Saldino-Mainzer syndrome; Retinitis pigmentosa 80. Last evaluated: 2024-02-15. Review status: criteria provided, single submitter. Criteria: ACMG Guidelines, 2015. Collection method: clinical testing. Allele origin: germline.

Literature cited by the submitters: PubMed 16199547 (cited by Labcorp Genetics (formerly Invitae), Labcorp); PubMed 22503633 (cited by Labcorp Genetics (formerly Invitae), Labcorp); PubMed 23418020 (cited by Labcorp Genetics (formerly Invitae), Labcorp); PubMed 24009529 (cited by Labcorp Genetics (formerly Invitae), Labcorp); PubMed 26216056 (cited by Labcorp Genetics (formerly Invitae), Labcorp).

NM_014714.4(IFT140):c.811-2A>G

Genes: IFT140 (intraflagellar transport 140; minus strand), LOC105371046 (uncharacterized LOC105371046; plus strand). Cytogenetic location: 16p13.3.
Variant type: single nucleotide variant.
Coding change: c.811-2A>G on transcript NM_014714.4 (MANE Select); the canonical splice acceptor site of the intron before coding-DNA position 811, A replaced by G.
Molecular consequence: splice acceptor variant.
Genome position (GRCh38, 1-based): chr16:1,588,026, T>C on the plus strand (A>G on the coding strand, the complement: IFT140 is on the minus strand). VCF-style: chr16-1588026-T-C. GRCh37 (hg19) VCF-style: chr16-1638027-T-C.
Identifiers: ClinVar variation 2740688 (VCV002740688.4), dbSNP rs1596419766, ClinGen allele CA394217928.
Genomic context (GRCh38, chr16:1,588,026, plus strand): 5'-AGGCTGCCTTCAATCAAAGCGATGTCTGCCCGGCGGCCGGTTTTCCCGCTCAGCTTGACC[T>C]GTGTGAGGAAACAACCGAGCAGAGGCACCGTGCTTGCTGAGACGGCCTGTCCCGGCTTCA-3'